The following is an entry in ClinVar:

ClinVar aggregate classification (germline): Benign/Likely benign. Review status: criteria provided, multiple submitters, no conflicts (2 of 4 stars). 7 submissions from 7 submitters: Benign (1); Likely benign (6). Last evaluated 2026-01-07.

Conditions:
Pheochromocytoma/paraganglioma syndrome 1. Also called: PARAGANGLIOMATA; Paragangliomas 1; Glomus tumors familial 1; Paraganglioma - glomus jugulare; SDHD-Related Hereditary Paraganglioma-Pheochromocytoma Syndrome; PARAGANGLIOMAS, FAMILIAL NONCHROMAFFIN, 1. Identifiers: Orphanet 29072, MedGen C3494181, MONDO:0008192, OMIM 168000.
Carney-Stratakis syndrome. Also called: PARAGANGLIOMA AND GASTROINTESTINAL STROMAL TUMOR. Identifiers: Orphanet 97286, MedGen C1847319, MONDO:0011740, OMIM 606864.
Mitochondrial complex 2 deficiency, nuclear type 3. Also called: MITOCHONDRIAL COMPLEX II DEFICIENCY, NUCLEAR TYPE 3. Identifiers: MedGen C5436934, MONDO:0030937, OMIM 619167.
Hereditary pheochromocytoma and paraganglioma. Also called: Hereditary Paraganglioma-Pheochromocytoma Syndromes; Hereditary paragangliomas and pheochromocytomas; Hereditary pheochromocytoma-paraganglioma. Identifiers: Orphanet 29072, MedGen C4274332, MONDO:0017366.
SDHD-related disorder. Also called: SDHD-related condition.
Paragangliomas with sensorineural hearing loss. Identifiers: MedGen C1868633.
Cowden syndrome 3 (CWS3). Identifiers: Orphanet 201, MedGen CN166604, MONDO:0014045.
Pheochromocytoma. Also called: MAX-Related Hereditary Paraganglioma-Pheochromocytoma Syndrome. Identifiers: Orphanet 29072, MedGen C0031511, MONDO:0008233, OMIM 171300, HP:0002666.
Hereditary cancer-predisposing syndrome. Also called: Hereditary Cancer Syndrome; Neoplastic Syndromes, Hereditary; Tumor predisposition; Hereditary neoplastic syndrome. Identifiers: Orphanet 140162, MedGen C0027672, MeSH D009386, MONDO:0015356.

Allele frequency attached by ClinVar (database versions not stated): TOPMed 0.00001; gnomAD 0.00003; gnomAD exomes 0.00003 and 0.00006; ExAC 0.00011; 1000 Genomes Project 30x 0.00078; 1000 Genomes Project 0.00100.

Submissions (7):

PreventionGenetics, part of Exact Sciences
Classification: Likely benign for SDHD-related condition. Last evaluated: 2026-01-07. Review status: criteria provided, single submitter. Criteria: ACMG Guidelines, 2015. Collection method: clinical testing. Allele origin: germline.
Comment: This variant is classified as likely benign based on ACMG/AMP sequence variant interpretation guidelines (Richards et al. 2015 PMID: 25741868, with internal and published modifications).

Labcorp Genetics (formerly Invitae), Labcorp
Classification: Likely benign for Carney-Stratakis syndrome; Paragangliomas with sensorineural hearing loss; Pheochromocytoma; Cowden syndrome 3. Last evaluated: 2025-11-24. Review status: criteria provided, single submitter. Criteria: Invitae Variant Classification Sherloc (09022015). Collection method: clinical testing. Allele origin: germline.

Department of Pathology and Laboratory Medicine, Sinai Health System
Classification: Likely benign for Pheochromocytoma/paraganglioma syndrome 1; Carney-Stratakis syndrome; Mitochondrial complex 2 deficiency, nuclear type 3. Last evaluated: 2024-08-19. Review status: criteria provided, single submitter. Criteria: ACMG Guidelines, 2015. Collection method: clinical testing. Allele origin: germline.

Color Diagnostics, LLC DBA Color Health
Classification: Likely benign for Hereditary pheochromocytoma and paraganglioma. Last evaluated: 2024-01-30. Review status: criteria provided, single submitter. Criteria: ACMG Guidelines, 2015. Collection method: clinical testing. Allele origin: germline.

Ambry Genetics
Classification: Likely benign for Hereditary cancer-predisposing syndrome. Last evaluated: 2021-03-09. Review status: criteria provided, single submitter. Criteria: Ambry Variant Classification Scheme 2023. Collection method: clinical testing. Allele origin: germline.

Quest Diagnostics Nichols Institute San Juan Capistrano
Classification: Likely benign. Last evaluated: 2020-12-28. Review status: criteria provided, single submitter. Criteria: Quest Diagnostics criteria. Collection method: clinical testing. Allele origin: unknown.

Illumina Laboratory Services, Illumina
Classification: Benign for Hereditary Paraganglioma-Pheochromocytoma Syndromes. Last evaluated: 2018-01-12. Review status: criteria provided, single submitter. Criteria: ICSL Variant Classification Criteria 13 December 2019. Collection method: clinical testing. Allele origin: germline.
Comment: This variant was observed in the ICSL laboratory as part of a predisposition screen in an ostensibly healthy population. It had not been previously curated by ICSL or reported in the Human Gene Mutation Database (HGMD: prior to June 1st, 2018), and was therefore a candidate for classification through an automated scoring system. Utilizing variant allele frequency, disease prevalence and penetrance estimates, and inheritance mode, an automated score was calculated to assess if this variant is too frequent to cause the disease. Based on the score and internal cut-off values, a variant classified as benign is not then subjected to further curation. The score for this variant resulted in a classification of benign for this disease.

NM_003002.4(SDHD):c.80G>A (p.Arg27Lys)

Gene: SDHD (succinate dehydrogenase complex subunit D; plus strand). Cytogenetic location: 11q23.1.
Variant type: single nucleotide variant.
Coding change: c.80G>A on transcript NM_003002.4 (MANE Select); coding-DNA position 80, G replaced by A.
Protein change: p.Arg27Lys; replaces arginine 27 with lysine.
Molecular consequence: missense variant. On other transcripts: non-coding transcript variant (1), intron variant (1).
Genome position (GRCh38, 1-based): chr11:112,087,884, G>A. VCF-style: chr11-112087884-G-A. GRCh37 (hg19) VCF-style: chr11-111958608-G-A.
Other names: c.80G>A, p.Arg27Lys (NM_001276503.2, NM_001276506.2); c.52+925G>A (NM_001276504.2); short protein forms R27K.
Identifiers: ClinVar variation 302482 (VCV000302482.25), dbSNP rs200671534, ClinGen allele CA071556.
Genomic context (GRCh38, chr11:112,087,884, plus strand): 5'-TTCTTATGATCATCCTAATGACTCTTTCCTCAGCTCTGTTGCTTCGAACTCCAGTGGTCA[G>A]ACCTGCTCATATCTCAGCATTTCTTCAGGACCGACCTATCCCAGAATGGTGTGGAGTGCA-3'
Protein context (NP_002993.1, residues 17-37): RALLLRTPVV[Arg27Lys]PAHISAFLQD